The following is an entry in ClinVar:

NM_024747.6(HPS6):c.445G>A (p.Glu149Lys)

Gene: HPS6 (HPS6 biogenesis of lysosomal organelles complex 2 subunit 3; plus strand). Cytogenetic location: 10q24.32.
Variant type: single nucleotide variant.
Coding change: c.445G>A on transcript NM_024747.6 (MANE Select); coding-DNA position 445, G replaced by A.
Protein change: p.Glu149Lys; replaces glutamic acid 149 with lysine.
Molecular consequence: missense variant.
Genome position (GRCh38, 1-based): chr10:102,065,919, G>A. VCF-style: chr10-102065919-G-A. GRCh37 (hg19) VCF-style: chr10-103825676-G-A.
Other names: short protein forms E149K.
Identifiers: ClinVar variation 2807515 (VCV002807515.3), dbSNP rs1450101908, ClinGen allele CA377857259.

ClinVar aggregate classification (germline): Uncertain significance (1 of 4 stars; one submission).

Allele frequency attached by ClinVar (database versions not stated): gnomAD 0.00001.

Submission:

Labcorp Genetics (formerly Invitae), Labcorp
Classification: Uncertain significance. Last evaluated: 2023-10-14. Review status: criteria provided, single submitter. Criteria: Invitae Variant Classification Sherloc (09022015). Collection method: clinical testing. Allele origin: germline.
Comment: This sequence change replaces glutamic acid, which is acidic and polar, with lysine, which is basic and polar, at codon 149 of the HPS6 protein (p.Glu149Lys). This variant is not present in population databases (gnomAD no frequency). This variant has not been reported in the literature in individuals affected with HPS6-related conditions. Advanced modeling of protein sequence and biophysical properties (such as structural, functional, and spatial information, amino acid conservation, physicochemical variation, residue mobility, and thermodynamic stability) performed at Invitae indicates that this missense variant is not expected to disrupt HPS6 protein function. In summary, the available evidence is currently insufficient to determine the role of this variant in disease. Therefore, it has been classified as a Variant of Uncertain Significance.